The following is an entry in ClinVar:

NM_002666.5(PLIN1):c.269T>C (p.Leu90Pro)

Gene: PLIN1 (perilipin 1; minus strand). Cytogenetic location: 15q26.1.
Variant type: single nucleotide variant.
Coding change: c.269T>C on transcript NM_002666.5 (MANE Select); coding-DNA position 269, T replaced by C.
Protein change: p.Leu90Pro; replaces leucine 90 with proline.
Molecular consequence: missense variant.
Genome position (GRCh38, 1-based): chr15:89,671,546, A>G on the plus strand (T>C on the coding strand, the complement: PLIN1 is on the minus strand). VCF-style: chr15-89671546-A-G. GRCh37 (hg19) VCF-style: chr15-90214777-A-G.
Other names: c.269T>C, p.Leu90Pro (NM_001145311.2); short protein forms L90P.
Identifiers: ClinVar variation 1033942 (VCV001033942.2), dbSNP rs139271800, ClinGen allele CA7729109.

ClinVar aggregate classification (germline): Uncertain significance. Review status: criteria provided, multiple submitters, no conflicts (2 of 4 stars). 2 submissions from 2 submitters: Uncertain significance (2). Last evaluated 2022-01-14.

Conditions:
PLIN1-related familial partial lipodystrophy. Also called: LIPODYSTROPHY, FAMILIAL PARTIAL, ASSOCIATED WITH PLIN1 MUTATIONS. Identifiers: Orphanet 280356, MedGen C5191005, MONDO:0013478, OMIM 613877.

Allele frequency attached by ClinVar (database versions not stated): gnomAD exomes 0.00031 and 0.00086; gnomAD 0.00036 and 0.00041; TOPMed 0.00045; ESP Exome Variant Server 0.00054; ExAC 0.00055.
gnomAD v4.1: 1,265 of 1,569,724 alleles (0.081%); highest among the groups gnomAD compares: Non-Finnish European, 0.1%; 1 homozygote.

Submissions (2):

Fulgent Genetics
Classification: Uncertain significance for PLIN1-related familial partial lipodystrophy. Last evaluated: 2022-01-14. Review status: criteria provided, single submitter. Criteria: ACMG Guidelines, 2015. Collection method: clinical testing. Allele origin: unknown.

Baylor Genetics
Classification: Uncertain significance for PLIN1-related familial partial lipodystrophy. Last evaluated: 2018-07-31. Review status: criteria provided, single submitter. Criteria: ACMG Guidelines, 2015. Collection method: clinical testing. Allele origin: paternal. Affected: yes.
Comment: This variant was determined to be of uncertain significance according to ACMG Guidelines, 2015 [PMID:25741868].